The following is an entry in ClinVar:

NM_018972.4(GDAP1):c.449C>T (p.Ser150Phe)

Gene: GDAP1 (ganglioside induced differentiation associated protein 1; plus strand). Cytogenetic location: 8q21.11.
Variant type: single nucleotide variant.
Coding change: c.449C>T on transcript NM_018972.4 (MANE Select); coding-DNA position 449, C replaced by T.
Protein change: p.Ser150Phe; replaces serine 150 with phenylalanine.
Molecular consequence: missense variant. On other transcripts: intron variant (1).
Genome position (GRCh38, 1-based): chr8:74,360,275, C>T. VCF-style: chr8-74360275-C-T. GRCh37 (hg19) VCF-style: chr8-75272510-C-T.
Other names: c.245C>T, p.Ser82Phe (NM_001040875.4); c.122C>T, p.Ser41Phe (NM_001362929.2, NM_001362932.2); c.449C>T, p.Ser150Phe (NM_001362931.2); c.311-1609C>T (NM_001362930.2); short protein forms S150F, S82F, S41F.
Identifiers: ClinVar variation 2866654 (VCV002866654.3), dbSNP rs2536741613, ClinGen allele CA371548894.

ClinVar aggregate classification (germline): Uncertain significance (1 of 4 stars; one submission).

Conditions:
Charcot-Marie-Tooth disease type 4A. Also called: Charcot-Marie-Tooth disease, demyelinating, autosomal recessive, type 4a. Identifiers: Orphanet 99948, MedGen C1859198, MONDO:0008961, OMIM 214400.

Submission:

Labcorp Genetics (formerly Invitae), Labcorp
Classification: Uncertain significance for Charcot-Marie-Tooth disease type 4A. Last evaluated: 2023-07-10. Review status: criteria provided, single submitter. Criteria: Invitae Variant Classification Sherloc (09022015). Collection method: clinical testing. Allele origin: germline.
Comment: This sequence change replaces serine, which is neutral and polar, with phenylalanine, which is neutral and non-polar, at codon 150 of the GDAP1 protein (p.Ser150Phe). This variant is not present in population databases (gnomAD no frequency). This missense change has been observed in individual(s) with clinical features of autosomal recessive Charcot-Marie-Tooth disease (Invitae). In at least one individual the data is consistent with being in trans (on the opposite chromosome) from a pathogenic variant. An algorithm developed to predict the effect of missense changes on protein structure and function (PolyPhen-2) suggests that this variant is likely to be disruptive. In summary, the available evidence is currently insufficient to determine the role of this variant in disease. Therefore, it has been classified as a Variant of Uncertain Significance.